The following is an entry in ClinVar:

ClinVar aggregate classification (germline): Conflicting classifications of pathogenicity. Review status: criteria provided, conflicting classifications (1 of 4 stars). 5 submissions from 5 submitters: Uncertain significance (4); Benign (1). Last evaluated 2026-01-16.

Conditions:
Hereditary cancer-predisposing syndrome. Also called: Hereditary neoplastic syndrome; Hereditary Cancer Syndrome; Neoplastic Syndromes, Hereditary; Tumor predisposition. Identifiers: Orphanet 140162, MedGen C0027672, MeSH D009386, MONDO:0015356.
Neurofibromatosis, type 2 (SWNV). Also called: SCHWANNOMATOSIS, VESTIBULAR; BILATERAL ACOUSTIC NEUROFIBROMATOSIS; NF2-Related Schwannomatosis. Identifiers: Orphanet 637, MedGen C0027832, MONDO:0007039, OMIM 101000. Disease mechanism: loss of function.

Allele frequency attached by ClinVar (database versions not stated): TOPMed 0.00005.
gnomAD v4.1: 17 of 1,569,406 alleles (0.0011%); highest among the groups gnomAD compares: Middle Eastern, 0.017%; no homozygotes.

Submissions (5):

Labcorp Genetics (formerly Invitae), Labcorp
Classification: Uncertain significance for Neurofibromatosis, type 2. Last evaluated: 2026-01-16. Review status: criteria provided, single submitter. Criteria: Invitae Variant Classification Sherloc (09022015). Collection method: clinical testing. Allele origin: germline.
Comment: This sequence change replaces arginine, which is basic and polar, with glutamine, which is neutral and polar, at codon 376 of the NF2 protein (p.Arg376Gln). The frequency data for this variant in the population databases is considered unreliable, as metrics indicate poor data quality at this position in the gnomAD database. This missense change has been observed in individual(s) with esophageal cancer and/or upper-tract urothelial carcinoma (PMID: 30833958, 35372080). ClinVar contains an entry for this variant (Variation ID: 485984). Invitae Evidence Modeling of protein sequence and biophysical properties (such as structural, functional, and spatial information, amino acid conservation, physicochemical variation, residue mobility, and thermodynamic stability) indicates that this missense variant is not expected to disrupt NF2 protein function with a negative predictive value of 80%. RNA analysis performed to evaluate the impact of this missense change on mRNA splicing indicates it does not significantly alter splicing (internal data). In summary, the available evidence is currently insufficient to determine the role of this variant in disease. Therefore, it has been classified as a Variant of Uncertain Significance.

Ambry Genetics
Classification: Uncertain significance for Hereditary cancer-predisposing syndrome. Last evaluated: 2025-11-01. Review status: criteria provided, single submitter. Criteria: Ambry Variant Classification Scheme 2023. Collection method: clinical testing. Allele origin: germline.
Comment: The p.R376Q variant (also known as c.1127G>A), located in coding exon 12 of the NF2 gene, results from a G to A substitution at nucleotide position 1127. The arginine at codon 376 is replaced by glutamine, an amino acid with highly similar properties. This alteration has been identified in a cohort of Chinese esophageal cancer patients (Deng J et al. Front Genet, 2019 Feb;10:47). This amino acid position is highly conserved in available vertebrate species. In addition, the in silico prediction for this alteration is inconclusive. Since supporting evidence is limited at this time, the clinical significance of this alteration remains unclear.

Women's Health and Genetics/Laboratory Corporation of America, LabCorp
Classification: Uncertain significance. Last evaluated: 2025-03-17. Review status: criteria provided, single submitter. Criteria: LabCorp Variant Classification Summary - May 2015. Collection method: clinical testing. Allele origin: germline.
Comment: Variant summary: NF2 c.1127G>A (p.Arg376Gln) results in a conservative amino acid change in the encoded protein sequence. Three of five in-silico tools predict a damaging effect of the variant on protein function. The variant allele was found at a frequency of 1.1e-05 in 181634 control chromosomes (gnomAD). The available data on variant occurrences in the general population are insufficient to allow any conclusion about variant significance. c.1127G>A has been reported in the literature in individuals affected with esophageal squamous cell carcinoma or hereditary upper-tract urothelial carcinoma (Deng_2019, Guan_2022). These reports do not provide unequivocal conclusions about association of the variant with Neurofibromatosis, type 2. To our knowledge, no experimental evidence demonstrating an impact on protein function has been reported. The following publications have been ascertained in the context of this evaluation (PMID: 30833958, 35372080). ClinVar contains an entry for this variant (Variation ID: 485984). Based on the evidence outlined above, the variant was classified as uncertain significance.

Color Diagnostics, LLC DBA Color Health
Classification: Benign for Neurofibromatosis, type 2. Last evaluated: 2025-01-06. Review status: criteria provided, single submitter. Criteria: ACMG Guidelines, 2015. Collection method: clinical testing. Allele origin: germline.

Genome-Nilou Lab
Classification: Uncertain significance for Neurofibromatosis, type 2. Last evaluated: 2021-11-07. Review status: criteria provided, single submitter. Criteria: ACMG Guidelines, 2015. Collection method: clinical testing. Allele origin: germline. Affected: no.

Literature cited by the submitters: PubMed 30833958 (cited by 3 submitters); PubMed 35372080 (cited by Labcorp Genetics (formerly Invitae), Labcorp and Women's Health and Genetics/Laboratory Corporation of America, LabCorp).

NM_000268.4(NF2):c.1127G>A (p.Arg376Gln)

Gene: NF2 (NF2, moesin-ezrin-radixin like (MERLIN) tumor suppressor; plus strand). Cytogenetic location: 22q12.2.
Variant type: single nucleotide variant.
Coding change: c.1127G>A on transcript NM_000268.4 (MANE Select); coding-DNA position 1127, G replaced by A.
Protein change: p.Arg376Gln; replaces arginine 376 with glutamine.
Molecular consequence: missense variant. On other transcripts: non-coding transcript variant (1), intron variant (1).
Genome position (GRCh38, 1-based): chr22:29,673,273, G>A. VCF-style: chr22-29673273-G-A. GRCh37 (hg19) VCF-style: chr22-30069262-G-A.
Other names: c.1127G>A, p.Arg376Gln (NM_016418.5, NM_181825.3, NM_181832.3); c.1001G>A, p.Arg334Gln (NM_181828.3); c.1004G>A, p.Arg335Gln (NM_181829.3); c.878G>A, p.Arg293Gln (NM_181830.3, NM_181831.3); c.448-21479G>A (NM_181833.3); short protein forms R376Q, R293Q, R335Q, R334Q.
Identifiers: ClinVar variation 485984 (VCV000485984.18), dbSNP rs996964764, ClinGen allele CA323116559.
Genomic context (GRCh38, chr22:29,673,273, plus strand): 5'-CTGGGCGGGAGAACAGCACATGATCCCACTTCAGCTAAGAGCACTGTGCCCTCCAGATGC[G>A]GTCTGAGGAGACAGCTGACCTGTTGGCTGAAAAGGCCCAGATCACCGAGGAGGAGGCAAA-3'
Protein context (NP_000259.1, residues 366-386): EATMANEALM[Arg376Gln]SEETADLLAE